The following is an entry in ClinVar:

NM_001135032.2(EVA1A):c.184G>A (p.Asp62Asn)

Gene: EVA1A (eva-1 homolog A, regulator of programmed cell death; minus strand). Cytogenetic location: 2p12.
Variant type: single nucleotide variant.
Coding change: c.184G>A on transcript NM_001135032.2 (MANE Select); coding-DNA position 184, G replaced by A.
Protein change: p.Asp62Asn; replaces aspartic acid 62 with asparagine.
Molecular consequence: missense variant.
Genome position (GRCh38, 1-based): chr2:75,493,511, C>T on the plus strand (G>A on the coding strand, the complement: EVA1A is on the minus strand). VCF-style: chr2-75493511-C-T. GRCh37 (hg19) VCF-style: chr2-75720637-C-T.
Other names: c.184G>A, p.Asp62Asn (NM_001369524.1, NM_001369525.1, NM_032181.3); short protein forms D62N.
Identifiers: ClinVar variation 2267407 (VCV002267407.3), dbSNP rs150035696, ClinGen allele CA1732380.

ClinVar aggregate classification (germline): Conflicting classifications of pathogenicity. Review status: criteria provided, conflicting classifications (1 of 4 stars). 2 submissions from 2 submitters: Uncertain significance (1); Likely benign (1). Last evaluated 2026-03-12.

Conditions:
EVA1A-related disorder. Also called: EVA1A-related condition.

Allele frequency attached by ClinVar (database versions not stated): TOPMed 0.00053; ExAC 0.00063; gnomAD exomes 0.00069; gnomAD 0.00078; ESP Exome Variant Server 0.00123.
gnomAD v4.1: 1,116 of 1,614,232 alleles (0.069%); highest among the groups gnomAD compares: Non-Finnish European, 0.088%; 1 homozygote.

Submissions (2):

PreventionGenetics, part of Exact Sciences
Classification: Likely benign for EVA1A-related condition. Last evaluated: 2026-03-12. Review status: criteria provided, single submitter. Criteria: ACMG Guidelines, 2015. Collection method: clinical testing. Allele origin: germline.
Comment: This variant is classified as likely benign based on ACMG/AMP sequence variant interpretation guidelines (Richards et al. 2015 PMID: 25741868, with internal and published modifications).

Ambry Genetics
Classification: Uncertain significance. Last evaluated: 2021-09-16. Review status: criteria provided, single submitter. Criteria: Ambry Variant Classification Scheme 2023. Collection method: clinical testing. Allele origin: germline.